The following is an entry in ClinVar:

NM_005228.5(EGFR):c.1370G>C (p.Ser457Thr)

Gene: EGFR (epidermal growth factor receptor; plus strand). Cytogenetic location: 7p11.2.
Variant type: single nucleotide variant.
Coding change: c.1370G>C on transcript NM_005228.5 (MANE Select); coding-DNA position 1370, G replaced by C.
Protein change: p.Ser457Thr; replaces serine 457 with threonine.
Molecular consequence: missense variant.
Genome position (GRCh38, 1-based): chr7:55,160,210, G>C. VCF-style: chr7-55160210-G-C. GRCh37 (hg19) VCF-style: chr7-55227903-G-C.
Other names: c.1235G>C, p.Ser412Thr (NM_001346897.2, NM_001346899.2); c.1370G>C, p.Ser457Thr (NM_001346898.2, NM_201282.2, NM_201284.2); c.1211G>C, p.Ser404Thr (NM_001346900.2); c.569G>C, p.Ser190Thr (NM_001346941.2); c.1370G>C (NM_005228.3); short protein forms S190T, S404T, S457T, S412T.
Identifiers: ClinVar variation 1429194 (VCV001429194.7), dbSNP rs1340811850, ClinGen allele CA367579458.
Genomic context (GRCh38, chr7:55,160,210, plus strand): 5'-CTCTTGCAGTCGTCAGCCTGAACATAACATCCTTGGGATTACGCTCCCTCAAGGAGATAA[G>C]TGATGGAGATGTGATAATTTCAGGAAACAAAAATTTGTGCTATGCAAATACAATAAACTG-3'
Protein context (NP_005219.2, residues 447-467): SLGLRSLKEI[Ser457Thr]DGDVIISGNK

ClinVar aggregate classification (germline): Uncertain significance. Review status: criteria provided, multiple submitters, no conflicts (2 of 4 stars). 2 submissions from 2 submitters: Uncertain significance (2). Last evaluated 2025-06-13.

Conditions:
Hereditary cancer-predisposing syndrome. Also called: Tumor predisposition; Hereditary neoplastic syndrome; Neoplastic Syndromes, Hereditary; Hereditary Cancer Syndrome. Identifiers: Orphanet 140162, MedGen C0027672, MeSH D009386, MONDO:0015356.
EGFR-related lung cancer (EGFR). Identifiers: MedGen CN130014.

Submissions (2):

Ambry Genetics
Classification: Uncertain significance for Hereditary cancer-predisposing syndrome. Last evaluated: 2025-06-13. Review status: criteria provided, single submitter. Criteria: Ambry Variant Classification Scheme 2023. Collection method: clinical testing. Allele origin: germline.
Comment: The p.S457T variant (also known as c.1370G>C), located in coding exon 12 of the EGFR gene, results from a G to C substitution at nucleotide position 1370. The serine at codon 457 is replaced by threonine, an amino acid with similar properties. This amino acid position is highly conserved in available vertebrate species. In addition, the in silico prediction for this alteration is inconclusive. Based on the available evidence, the clinical significance of this variant remains unclear.

Labcorp Genetics (formerly Invitae), Labcorp
Classification: Uncertain significance for EGFR-related lung cancer. Last evaluated: 2023-10-04. Review status: criteria provided, single submitter. Criteria: Invitae Variant Classification Sherloc (09022015). Collection method: clinical testing. Allele origin: germline.
Comment: This sequence change replaces serine, which is neutral and polar, with threonine, which is neutral and polar, at codon 457 of the EGFR protein (p.Ser457Thr). This variant is not present in population databases (gnomAD no frequency). This variant has not been reported in the literature in individuals affected with EGFR-related conditions. ClinVar contains an entry for this variant (Variation ID: 1429194). Advanced modeling of protein sequence and biophysical properties (such as structural, functional, and spatial information, amino acid conservation, physicochemical variation, residue mobility, and thermodynamic stability) performed at Invitae indicates that this missense variant is not expected to disrupt EGFR protein function. In summary, the available evidence is currently insufficient to determine the role of this variant in disease. Therefore, it has been classified as a Variant of Uncertain Significance.